The following is an entry in ClinVar:

NM_001134407.3(GRIN2A):c.2830T>C (p.Ser944Pro)

Gene: GRIN2A (glutamate ionotropic receptor NMDA type subunit 2A; minus strand). Cytogenetic location: 16p13.2.
Variant type: single nucleotide variant.
Coding change: c.2830T>C on transcript NM_001134407.3 (MANE Select); coding-DNA position 2830, T replaced by C.
Protein change: p.Ser944Pro; replaces serine 944 with proline.
Molecular consequence: missense variant.
Genome position (GRCh38, 1-based): chr16:9,764,714, A>G on the plus strand (T>C on the coding strand, the complement: GRIN2A is on the minus strand). VCF-style: chr16-9764714-A-G. GRCh37 (hg19) VCF-style: chr16-9858571-A-G.
Other names: c.2830T>C, p.Ser944Pro (NM_000833.5, NM_001134408.2); short protein forms S944P.
Identifiers: ClinVar variation 916429 (VCV000916429.40), dbSNP rs1900803126, ClinGen allele CA394709264.

ClinVar aggregate classification (germline): Uncertain significance (1 of 4 stars; one submission).

Submission:

CeGaT Center for Human Genetics Tuebingen
Classification: Uncertain significance. Last evaluated: 2026-03-01. Review status: criteria provided, single submitter. Criteria: CeGaT Center For Human Genetics Tuebingen Variant Classification Criteria Version 2. Collection method: clinical testing. Allele origin: germline. Affected: yes. Observed: 3 variant alleles.
Comment: GRIN2A: PM2, BP4